The following is an entry in ClinVar:

ClinVar aggregate classification (germline): Uncertain significance (1 of 4 stars; one submission).

Conditions:
Inborn genetic diseases. Identifiers: MedGen C0950123, MeSH D030342.

Submission:

Ambry Genetics
Classification: Uncertain significance for Inborn genetic diseases. Last evaluated: 2021-03-01. Review status: criteria provided, single submitter. Criteria: Ambry Variant Classification Scheme 2023. Collection method: clinical testing. Allele origin: germline.
Comment: The c.2267A>G (p.N756S) alteration is located in exon 7 (coding exon 7) of the ARID1A gene. This alteration results from a A to G substitution at nucleotide position 2267, causing the asparagine (N) at amino acid position 756 to be replaced by a serine (S). The p.N756S alteration is predicted to be tolerated by in silico analysis. Based on insufficient or conflicting evidence, the clinical significance of this alteration remains unclear.

NM_006015.6(ARID1A):c.2267A>G (p.Asn756Ser)

Gene: ARID1A (AT-rich interaction domain 1A; plus strand). Cytogenetic location: 1p36.11.
Variant type: single nucleotide variant.
Coding change: c.2267A>G on transcript NM_006015.6 (MANE Select); coding-DNA position 2267, A replaced by G.
Protein change: p.Asn756Ser; replaces asparagine 756 with serine.
Molecular consequence: missense variant.
Genome position (GRCh38, 1-based): chr1:26,762,167, A>G. VCF-style: chr1-26762167-A-G. GRCh37 (hg19) VCF-style: chr1-27088658-A-G.
Other names: c.2267A>G, p.Asn756Ser (NM_139135.4); short protein forms N756S.
Identifiers: ClinVar variation 2229681 (VCV002229681.2), dbSNP rs2124062872, ClinGen allele CA339155104.